The following is an entry in ClinVar:

ClinVar aggregate classification (germline): Uncertain significance. Review status: criteria provided, multiple submitters, no conflicts (2 of 4 stars). 2 submissions from 2 submitters: Uncertain significance (2). Last evaluated 2022-05-12.

Allele frequency attached by ClinVar (database versions not stated): ExAC 0.00001; gnomAD 0.00001; TOPMed 0.00001.
gnomAD v4.1: 7 of 1,614,002 alleles (0.00043%); highest among the groups gnomAD compares: Admixed American, 0.0017%; no homozygotes.

Submissions (2):

Labcorp Genetics (formerly Invitae), Labcorp
Classification: Uncertain significance. Last evaluated: 2022-05-12. Review status: criteria provided, single submitter. Criteria: Invitae Variant Classification Sherloc (09022015). Collection method: clinical testing. Allele origin: germline.
Comment: In summary, the available evidence is currently insufficient to determine the role of this variant in disease. Therefore, it has been classified as a Variant of Uncertain Significance. Algorithms developed to predict the effect of missense changes on protein structure and function are either unavailable or do not agree on the potential impact of this missense change (SIFT: "Tolerated"; PolyPhen-2: "Possibly Damaging"; Align-GVGD: "Class C0"). This variant has not been reported in the literature in individuals affected with DRAM2-related conditions. This variant is present in population databases (rs749187958, gnomAD 0.002%). This sequence change replaces leucine, which is neutral and non-polar, with arginine, which is basic and polar, at codon 33 of the DRAM2 protein (p.Leu33Arg).

Blueprint Genetics
Classification: Uncertain significance. Last evaluated: 2021-10-12. Review status: criteria provided, single submitter. Criteria: ACMG Guidelines, 2015. Collection method: clinical testing. Allele origin: germline.

NM_001349884.2(DRAM2):c.98T>G (p.Leu33Arg)

Gene: DRAM2 (DNA damage regulated autophagy modulator 2; minus strand). Cytogenetic location: 1p13.3.
Variant type: single nucleotide variant.
Coding change: c.98T>G on transcript NM_001349884.2 (MANE Select); coding-DNA position 98, T replaced by G.
Protein change: p.Leu33Arg; replaces leucine 33 with arginine.
Molecular consequence: missense variant. On other transcripts: 5 prime UTR variant (8), non-coding transcript variant (8).
Genome position (GRCh38, 1-based): chr1:111,131,457, A>C on the plus strand (T>G on the coding strand, the complement: DRAM2 is on the minus strand). VCF-style: chr1-111131457-A-C. GRCh37 (hg19) VCF-style: chr1-111674079-A-C.
Other names: c.98T>G, p.Leu33Arg (NM_001349881.2, NM_001349882.2, NM_001349885.2 and 1 more transcripts); c.-61T>G (NM_001349886.2, NM_001349887.2, NM_001349888.2); c.-153T>G (NM_001349889.2, NM_001349890.2, NM_001349892.2 and 1 more transcripts); c.-321T>G (NM_001349891.2); short protein forms L33R.
Identifiers: ClinVar variation 1969499 (VCV001969499.6), dbSNP rs749187958, ClinGen allele CA1001956.